The following is an entry in ClinVar:

ClinVar aggregate classification (germline): Uncertain significance. Review status: criteria provided, multiple submitters, no conflicts (2 of 4 stars). 4 submissions from 4 submitters: Uncertain significance (4). Last evaluated 2024-02-16.

Conditions:
Duchenne muscular dystrophy (DMD). Also called: MUSCULAR DYSTROPHY, PSEUDOHYPERTROPHIC PROGRESSIVE, DUCHENNE TYPE; Duchenne Muscular Dystrophy (DMD). Identifiers: Orphanet 98896, MedGen C0013264, MONDO:0010679, OMIM 310200.

Submissions (4):

Revvity Omics, Revvity
Classification: Uncertain significance. Last evaluated: 2024-02-16. Review status: criteria provided, single submitter. Criteria: ACMG Guidelines, 2015. Collection method: clinical testing. Allele origin: germline.

GeneDx
Classification: Uncertain significance. Last evaluated: 2023-12-13. Review status: criteria provided, single submitter. Criteria: GeneDx Variant Classification Process June 2021. Collection method: clinical testing. Allele origin: germline. Affected: yes.
Comment: Not observed at significant frequency in large population cohorts (gnomAD); Has not been previously published as pathogenic or benign to our knowledge; In silico analysis is inconclusive as to whether the variant alters gene splicing. In the absence of RNA/functional studies, the actual effect of this sequence change is unknown.

Labcorp Genetics (formerly Invitae), Labcorp
Classification: Uncertain significance for Duchenne muscular dystrophy. Last evaluated: 2021-10-08. Review status: criteria provided, single submitter. Criteria: Invitae Variant Classification Sherloc (09022015). Collection method: clinical testing. Allele origin: germline.
Comment: This sequence change falls in intron 76 of the DMD gene. It does not directly change the encoded amino acid sequence of the DMD protein. It affects a nucleotide within the consensus splice site of the intron. This variant is not present in population databases (ExAC no frequency). This variant has not been reported in the literature in individuals with DMD-related conditions. ClinVar contains an entry for this variant (Variation ID: 598576). Nucleotide substitutions within the consensus splice site are a relatively common cause of aberrant splicing (PMID: 17576681, 9536098). Algorithms developed to predict the effect of sequence changes on RNA splicing suggest that this variant may disrupt the consensus splice site, but this prediction has not been confirmed by published transcriptional studies. In summary, the available evidence is currently insufficient to determine the role of this variant in disease. Therefore, it has been classified as a Variant of Uncertain Significance.

Eurofins Ntd Llc (ga)
Classification: Uncertain significance. Last evaluated: 2018-08-31. Review status: criteria provided, single submitter. Criteria: EGL ClinVar v180209 classification definitions. Collection method: clinical testing. Allele origin: germline. Observed: 1 variant allele, 1 hemizygote.

Literature cited by the submitters: PubMed 17576681 (cited by Labcorp Genetics (formerly Invitae), Labcorp); PubMed 9536098 (cited by Labcorp Genetics (formerly Invitae), Labcorp).

NM_004006.3(DMD):c.10921+5G>C

Gene: DMD (dystrophin; minus strand). Cytogenetic location: Xp21.2.
Variant type: single nucleotide variant.
Coding change: c.10921+5G>C on transcript NM_004006.3 (MANE Select); 5 bases into the intron after coding-DNA position 10921, G replaced by C.
Molecular consequence: intron variant.
Genome position (GRCh38, 1-based): chrX:31,146,286, C>G on the plus strand (G>C on the coding strand, the complement: DMD is on the minus strand). VCF-style: chrX-31146286-C-G. GRCh37 (hg19) VCF-style: chrX-31164403-C-G.
Other names: c.10897+5G>C (NM_000109.4); c.6898+5G>C (NM_004011.4); c.6889+5G>C (NM_004012.4); c.3211+5G>C (NM_004023.3, NM_004020.4); c.3502+5G>C (NM_004022.3); c.3541+5G>C (NM_004021.3, NM_004013.3); c.2734+5G>C (NM_004014.3); c.1678+5G>C (NM_004018.3, NM_004017.3); and 4 more.
Identifiers: ClinVar variation 598576 (VCV000598576.10), dbSNP rs398123848, ClinGen allele CA913191139.
Genomic context (GRCh38, chrX:31,146,286, plus strand): 5'-TGTCCCTGTAATACGACTCTACCTTTCTTCAGACAACAAAATCTGAGAGTAGCTAGGACA[C>G]TTACCCATGGAGTCCGAAGTTTGACTGCCAACCACTCGGAGCAGCATAGGCTGACTGCTG-3'